The following is an entry in ClinVar:

NM_015693.4(INTU):c.2651A>G (p.Glu884Gly)

Gene: INTU (inturned planar cell polarity protein; plus strand). Cytogenetic location: 4q28.1.
Variant type: single nucleotide variant.
Coding change: c.2651A>G on transcript NM_015693.4 (MANE Select); coding-DNA position 2651, A replaced by G.
Protein change: p.Glu884Gly; replaces glutamic acid 884 with glycine.
Molecular consequence: missense variant.
Genome position (GRCh38, 1-based): chr4:127,714,027, A>G. VCF-style: chr4-127714027-A-G. GRCh37 (hg19) VCF-style: chr4-128635182-A-G.
Other names: short protein forms E884G.
Identifiers: ClinVar variation 3708856 (VCV003708856.2).

ClinVar aggregate classification (germline): Uncertain significance (1 of 4 stars; one submission).

gnomAD v4.1: 2 of 1,613,626 alleles (0.00012%); highest among the groups gnomAD compares: Admixed American, 0.0017%; no homozygotes.

Submission:

Labcorp Genetics (formerly Invitae), Labcorp
Classification: Uncertain significance. Last evaluated: 2024-05-02. Review status: criteria provided, single submitter. Criteria: Invitae Variant Classification Sherloc (09022015). Collection method: clinical testing. Allele origin: germline.
Comment: This sequence change replaces glutamic acid, which is acidic and polar, with glycine, which is neutral and non-polar, at codon 884 of the INTU protein (p.Glu884Gly). This variant is not present in population databases (gnomAD no frequency). This variant has not been reported in the literature in individuals affected with INTU-related conditions. Advanced modeling of protein sequence and biophysical properties (such as structural, functional, and spatial information, amino acid conservation, physicochemical variation, residue mobility, and thermodynamic stability) performed at Invitae indicates that this missense variant is expected to disrupt INTU protein function with a positive predictive value of 80%. In summary, the available evidence is currently insufficient to determine the role of this variant in disease. Therefore, it has been classified as a Variant of Uncertain Significance.